The following is an entry in ClinVar:

NM_014845.6(FIG4):c.730C>T (p.Arg244Cys)

Gene: FIG4 (FIG4 phosphoinositide 5-phosphatase; plus strand). Cytogenetic location: 6q21.
Variant type: single nucleotide variant.
Coding change: c.730C>T on transcript NM_014845.6 (MANE Select); coding-DNA position 730, C replaced by T.
Protein change: p.Arg244Cys; replaces arginine 244 with cysteine.
Molecular consequence: missense variant.
Genome position (GRCh38, 1-based): chr6:109,738,408, C>T. VCF-style: chr6-109738408-C-T. GRCh37 (hg19) VCF-style: chr6-110059611-C-T.
Other names: short protein forms R244C.
Identifiers: ClinVar variation 392396 (VCV000392396.10), dbSNP rs138376077, ClinGen allele CA3955886.
Genomic context (GRCh38, chr6:109,738,408, plus strand): 5'-CCTTATATGAAATATGTATGGAATGGTGAACTTCTGGATATAATTAAAAGTACTGTGCAT[C>T]GTGACTGGCTTTTGTATATTATTCATGGGTTCTGTGGGCAGTCAAGTATCCTTTCTGAAG-3'
Protein context (NP_055660.1, residues 234-254): LLDIIKSTVH[Arg244Cys]DWLLYIIHGF

ClinVar aggregate classification (germline): Uncertain significance. Review status: criteria provided, multiple submitters, no conflicts (2 of 4 stars). 3 submissions from 3 submitters: Uncertain significance (3). Last evaluated 2024-11-05.

Conditions:
Inborn genetic diseases. Identifiers: MedGen C0950123, MeSH D030342.
Charcot-Marie-Tooth disease type 4. Also called: Charcot-Marie-Tooth disease, type IV; Charcot-Marie-Tooth, Type 4. Identifiers: Orphanet 64749, MedGen C4082197, MONDO:0018995.

Allele frequency attached by ClinVar (database versions not stated): gnomAD exomes 0.00005 and 0.00012; ExAC 0.00012; ESP Exome Variant Server 0.00031; gnomAD 0.00031 and 0.00032; TOPMed 0.00036; 1000 Genomes Project 0.00060; 1000 Genomes Project 30x 0.00094.
gnomAD v4.1: 119 of 1,612,416 alleles (0.0074%); highest among the groups gnomAD compares: African/African-American, 0.11%; no homozygotes.

Submissions (3):

Labcorp Genetics (formerly Invitae), Labcorp
Classification: Uncertain significance for Charcot-Marie-Tooth disease type 4. Last evaluated: 2024-11-05. Review status: criteria provided, single submitter. Criteria: Invitae Variant Classification Sherloc (09022015). Collection method: clinical testing. Allele origin: germline.
Comment: This sequence change replaces arginine, which is basic and polar, with cysteine, which is neutral and slightly polar, at codon 244 of the FIG4 protein (p.Arg244Cys). This variant is present in population databases (rs138376077, gnomAD 0.1%). This missense change has been observed in individual(s) with clinical features of FIG4-related conditions (PMID: 32376792). ClinVar contains an entry for this variant (Variation ID: 392396). An algorithm developed to predict the effect of missense changes on protein structure and function (PolyPhen-2) suggests that this variant is likely to be disruptive. Algorithms developed to predict the effect of sequence changes on RNA splicing suggest that this variant may disrupt the consensus splice site. In summary, the available evidence is currently insufficient to determine the role of this variant in disease. Therefore, it has been classified as a Variant of Uncertain Significance.

Ambry Genetics
Classification: Uncertain significance for Inborn genetic diseases. Last evaluated: 2020-11-05. Review status: criteria provided, single submitter. Criteria: Ambry Variant Classification Scheme 2023. Collection method: clinical testing. Allele origin: germline.
Comment: The p.R244C variant (also known as c.730C>T), located in coding exon 7 of the FIG4 gene, results from a C to T substitution at nucleotide position 730. The arginine at codon 244 is replaced by cysteine, an amino acid with highly dissimilar properties. This alteration has been reported in the heterozygous state in two individuals with unspecified Charcot-Marie-Tooth disease (Nicholson G et al. Brain, 2011 Jul;134:1959-71). This amino acid position is not well conserved in available vertebrate species. In addition, this alteration is predicted to be tolerated by in silico analysis. Since supporting evidence is limited at this time, the clinical significance of this alteration remains unclear.

GeneDx
Classification: Uncertain significance. Last evaluated: 2017-01-03. Review status: criteria provided, single submitter. Criteria: GeneDx Variant Classification (06012015). Collection method: clinical testing. Allele origin: germline. Affected: yes.
Comment: A variant of uncertain significance has been identified in the FIG4 gene. The R244C variant was identified in the heterozygous state in individuals with non CMT4J (Nicholson et al., 2011). The R244C variant is observed in 10/10394 (0.1%) alleles from individuals of African background (Lek et al., 2016; 1000 Genomes Consortium et al., 2015; Exome Variant Server). The R244C variant is a non-conservative amino acid substitution, which is likely to impact secondary protein structure as these residues differ in polarity, charge, size and/or other properties. However, this substitution occurs at a position that is not conserved and in silico analysis is inconsistent in its predictions as to whether or not the variant is damaging to the protein structure/function. Therefore, based on the currently available information, it is unclear whether this variant is a pathogenic variant or a rare benign variant.

Literature cited by the submitters: PubMed 32376792 (cited by Labcorp Genetics (formerly Invitae), Labcorp); PubMed 21705420 (cited by Ambry Genetics).